The following is an entry in ClinVar:

ClinVar aggregate classification (germline): Uncertain significance (1 of 4 stars; one submission).

Submissions (2):

Women's Health and Genetics/Laboratory Corporation of America, LabCorp
Classification: Uncertain significance. Last evaluated: 2021-03-14. Review status: criteria provided, single submitter. Criteria: LabCorp Variant Classification Summary - May 2015. Collection method: clinical testing. Allele origin: germline.
Comment: Variant summary: BRCA1 c.5332+19C>A alters a non-conserved nucleotide located close to a canonical splice site and therefore could affect mRNA splicing, leading to a significantly altered protein sequence. 4/4 computational tools predict no significant impact on normal splicing. However, these predictions have yet to be confirmed by functional studies. The variant was absent in 251206 control chromosomes. The available data on variant occurrences in the general population are insufficient to allow any conclusion about variant significance. To our knowledge, no occurrence of c.5332+19C>A in individuals affected with Hereditary Breast And Ovarian Cancer Syndrome has been reported. At least one publication reports experimental evidence evaluating an impact on protein function. These results showed no damaging effect of this variant on homology directed repair (Findlay_2018). No clinical diagnostic laboratories have submitted clinical-significance assessments for this variant to ClinVar after 2014. Based on the evidence outlined above, the variant was classified as VUS-possibly benign.

Brotman Baty Institute, University of Washington
No classification provided (evidence only). Condition: Breast-ovarian cancer, familial 1. Review status: no classification provided. Collection method: in vitro. Allele origin: not applicable. Functional consequence: functionally_normal. Not counted in ClinVar's aggregate classification.
ClinVar note: "not provided" was previously submitted as the classification for the variant. However, the classification appeared to be based only on an observation of functional data so it was converted to no classification on 2025-07-30.

Literature cited by the submitters: PubMed 30209399 (cited by Women's Health and Genetics/Laboratory Corporation of America, LabCorp).

NM_007294.4(BRCA1):c.5332+19C>A

Gene: BRCA1 (BRCA1 DNA repair associated; minus strand). Cytogenetic location: 17q21.31.
Variant type: single nucleotide variant.
Coding change: c.5332+19C>A on transcript NM_007294.4 (MANE Select); 19 bases into the intron after coding-DNA position 5332, C replaced by A.
Molecular consequence: intron variant.
Genome position (GRCh38, 1-based): chr17:43,051,044, G>T on the plus strand (C>A on the coding strand, the complement: BRCA1 is on the minus strand). VCF-style: chr17-43051044-G-T. GRCh37 (hg19) VCF-style: chr17-41203061-G-T.
Other names: c.5068+19C>A (NM_001407921.1, NM_001407926.1, NM_001407924.1 and 4 more transcripts); c.1879+19C>A (NM_001408466.1, NM_001408460.1, NM_001408465.1 and 7 more transcripts); c.1882+19C>A (NM_001408452.1, NM_001408457.1, NM_001408454.1 and 3 more transcripts); c.5185+19C>A (NM_001407850.1, NM_001407844.1, NM_001407851.1 and 12 more transcripts); c.5188+19C>A (NM_001407752.1, NM_001407944.1, NM_001407734.1 and 21 more transcripts); c.5191+19C>A (NM_001407730.1, NM_001407692.1, NM_001407729.1 and 13 more transcripts); c.5062+19C>A (NM_001407934.1, NM_001407935.1, NM_001407936.1); c.1759+19C>A (NM_001408497.1, NM_001408496.1, NM_001408499.1 and 3 more transcripts); and 74 more.
Identifiers: ClinVar variation 865615 (VCV000865615.4), dbSNP rs774813458, ClinGen allele CA916080969.